The following is an entry in ClinVar:

ClinVar aggregate classification (germline): Conflicting classifications of pathogenicity. Review status: criteria provided, conflicting classifications (1 of 4 stars). 2 submissions from 2 submitters: Uncertain significance (1); Likely benign (1). Last evaluated 2025-02-23.

Conditions:
Developmental and epileptic encephalopathy, 30 (DEE30). Also called: Epileptic encephalopathy, early infantile, 30. Identifiers: MedGen C4225360, MONDO:0014595, OMIM 616341.
Inborn genetic diseases. Identifiers: MedGen C0950123, MeSH D030342.

Submissions (2):

Labcorp Genetics (formerly Invitae), Labcorp
Classification: Uncertain significance for Developmental and epileptic encephalopathy, 30. Last evaluated: 2025-02-23. Review status: criteria provided, single submitter. Criteria: Invitae Variant Classification Sherloc (09022015). Collection method: clinical testing. Allele origin: germline.
Comment: This sequence change replaces proline, which is neutral and non-polar, with serine, which is neutral and polar, at codon 356 of the SIK1 protein (p.Pro356Ser). This variant is not present in population databases (gnomAD no frequency). This variant has not been reported in the literature in individuals affected with SIK1-related conditions. ClinVar contains an entry for this variant (Variation ID: 2898107). Invitae Evidence Modeling of protein sequence and biophysical properties (such as structural, functional, and spatial information, amino acid conservation, physicochemical variation, residue mobility, and thermodynamic stability) indicates that this missense variant is not expected to disrupt SIK1 protein function with a negative predictive value of 95%. In summary, the available evidence is currently insufficient to determine the role of this variant in disease. Therefore, it has been classified as a Variant of Uncertain Significance.

Ambry Genetics
Classification: Likely benign for Inborn genetic diseases. Last evaluated: 2024-10-15. Review status: criteria provided, single submitter. Criteria: Ambry Variant Classification Scheme 2023. Collection method: clinical testing. Allele origin: germline.

NM_173354.5(SIK1):c.1066C>T (p.Pro356Ser)

Gene: SIK1 (salt inducible kinase 1; minus strand). Cytogenetic location: 21q22.3.
Variant type: single nucleotide variant.
Coding change: c.1066C>T on transcript NM_173354.5 (MANE Select); coding-DNA position 1066, C replaced by T.
Protein change: p.Pro356Ser; replaces proline 356 with serine.
Molecular consequence: missense variant.
Genome position (GRCh38, 1-based): chr21:43,419,912, G>A on the plus strand (C>T on the coding strand, the complement: SIK1 is on the minus strand). VCF-style: chr21-43419912-G-A. GRCh37 (hg19) VCF-style: chr21-44839792-G-A.
Other names: c.1066C>T (NM_173354.3); short protein forms P356S.
Identifiers: ClinVar variation 2898107 (VCV002898107.4), dbSNP rs2516966428, ClinGen allele CA410608803.